The following is an entry in ClinVar:

ClinVar aggregate classification (germline): Uncertain significance (1 of 4 stars; one submission).

Conditions:
Norman-Roberts syndrome (LIS2). Also called: Lissencephaly 2 (Norman-Roberts type). Identifiers: Orphanet 89844, MedGen C0796089, MONDO:0009760, OMIM 257320.
Familial temporal lobe epilepsy 7. Identifiers: Orphanet 101046, MedGen C4225327, MONDO:0014639, OMIM 616436.

Allele frequency attached by ClinVar (database versions not stated): TOPMed below 0.00001.
gnomAD v4.1: 1 of 1,543,988 alleles (0.000065%); no homozygotes.

Submission:

Labcorp Genetics (formerly Invitae), Labcorp
Classification: Uncertain significance for Familial temporal lobe epilepsy 7; Norman-Roberts syndrome. Last evaluated: 2023-10-22. Review status: criteria provided, single submitter. Criteria: Invitae Variant Classification Sherloc (09022015). Collection method: clinical testing. Allele origin: germline.
Comment: This sequence change falls in intron 20 of the RELN gene. It does not directly change the encoded amino acid sequence of the RELN protein. It affects a nucleotide within the consensus splice site. This variant is not present in population databases (gnomAD no frequency). This variant has not been reported in the literature in individuals affected with RELN-related conditions. ClinVar contains an entry for this variant (Variation ID: 964852). Variants that disrupt the consensus splice site are a relatively common cause of aberrant splicing (PMID: 17576681, 9536098). Algorithms developed to predict the effect of sequence changes on RNA splicing suggest that this variant may disrupt the consensus splice site. In summary, the available evidence is currently insufficient to determine the role of this variant in disease. Therefore, it has been classified as a Variant of Uncertain Significance.

Literature cited by the submitters: PubMed 17576681; PubMed 9536098.

NM_005045.4(RELN):c.2702+5G>C

Gene: RELN (reelin; minus strand). Cytogenetic location: 7q22.1.
Variant type: single nucleotide variant.
Coding change: c.2702+5G>C on transcript NM_005045.4 (MANE Select); 5 bases into the intron after coding-DNA position 2702, G replaced by C.
Molecular consequence: intron variant.
Genome position (GRCh38, 1-based): chr7:103,629,935, C>G on the plus strand (G>C on the coding strand, the complement: RELN is on the minus strand). VCF-style: chr7-103629935-C-G. GRCh37 (hg19) VCF-style: chr7-103270382-C-G.
Other names: c.2702+5G>C (NM_173054.3).
Identifiers: ClinVar variation 964852 (VCV000964852.7), dbSNP rs1832414756, ClinGen allele CA1139660155.